The following is an entry in ClinVar:

NM_001042492.3(NF1):c.3497-12T>A

Gene: NF1 (neurofibromin 1; plus strand). Cytogenetic location: 17q11.2.
Variant type: single nucleotide variant.
Coding change: c.3497-12T>A on transcript NM_001042492.3 (MANE Select); 12 bases into the intron before coding-DNA position 3497, T replaced by A.
Molecular consequence: intron variant.
Genome position (GRCh38, 1-based): chr17:31,232,990, T>A. VCF-style: chr17-31232990-T-A. GRCh37 (hg19) VCF-style: chr17-29560008-T-A.
Other names: c.3497-12T>A (NM_000267.4, NM_000267.3).
Identifiers: ClinVar variation 1320340 (VCV001320340.11), dbSNP rs753605564, ClinGen allele CA2573054381.

ClinVar aggregate classification (germline): Conflicting classifications of pathogenicity. Review status: criteria provided, conflicting classifications (1 of 4 stars). 3 submissions from 3 submitters: Pathogenic (2); Uncertain significance (1). Last evaluated 2026-04-27.

Conditions:
Neurofibromatosis, type 1 (NF1). Also called: NEUROFIBROMATOSIS, TYPE I, SOMATIC; Neurofibromatosis, type I; Peripheral type neurofibromatosis; VON RECKLINGHAUSEN DISEASE. Identifiers: Orphanet 636, MedGen C0027831, MONDO:0018975, OMIM 162200. Disease mechanism: loss of function.
Hereditary cancer-predisposing syndrome. Also called: Neoplastic Syndromes, Hereditary; Tumor predisposition; Hereditary Cancer Syndrome; Hereditary neoplastic syndrome. Identifiers: Orphanet 140162, MedGen C0027672, MeSH D009386, MONDO:0015356.
Cardiovascular phenotype. Identifiers: MedGen CN230736.

gnomAD v4.1: 1 of 1,614,200 alleles (0.000062%); highest among the groups gnomAD compares: Non-Finnish European, 0.000085%; no homozygotes.

Submissions (3):

Ambry Genetics
Classification: Pathogenic for Cardiovascular phenotype; Hereditary cancer-predisposing syndrome. Last evaluated: 2026-04-27. Review status: criteria provided, single submitter. Criteria: Ambry Variant Classification Scheme 2023. Collection method: clinical testing. Allele origin: germline.
Comment: The c.3497-12T>A intronic pathogenic mutation results from a T to A substitution 12 nucleotides upstream from coding exon 27 in the NF1 gene. This variant was reported in individual(s) with features consistent with neurofibromatosis type 1 (external communications; Ambry internal data). This nucleotide position is well conserved in available vertebrate species. In silico splice site analysis predicts that this alteration will weaken the native splice acceptor site. RNA studies have demonstrated that this variant results in abnormal splicing in the set of samples tested (Ambry internal data). This variant is considered to be rare based on population cohorts in the Genome Aggregation Database (gnomAD). Based on the supporting evidence, this variant is interpreted as a disease-causing mutation.

GeneDx
Classification: Uncertain significance. Last evaluated: 2026-02-17. Review status: criteria provided, single submitter. Criteria: GeneDx Variant Classification Process June 2021. Collection method: clinical testing. Allele origin: germline. Affected: yes.
Comment: Not observed at significant frequency in large population cohorts (gnomAD); In silico analysis supports a deleterious effect on splicing; Has not been previously published as pathogenic or benign to our knowledge

Labcorp Genetics (formerly Invitae), Labcorp
Classification: Pathogenic for Neurofibromatosis, type 1. Last evaluated: 2026-01-21. Review status: criteria provided, single submitter. Criteria: Invitae Variant Classification Sherloc (09022015). Collection method: clinical testing. Allele origin: germline.
Comment: This sequence change falls in intron 26 of the NF1 gene. It does not directly change the encoded amino acid sequence of the NF1 protein. This variant is not present in population databases (gnomAD no frequency). This variant has been observed in individuals with clinical features of neurofibromatosis type I (internal data). Invitae Evidence Modeling of clinical and family history, age, sex, and reported ancestry of multiple individuals with this NF1 variant has been performed. This variant is expected to be pathogenic with a positive predictive value of at least 99%. This is a validated machine learning model that incorporates the clinical features of 1,785,918 individuals referred to our laboratory for NF1 testing. ClinVar contains an entry for this variant (Variation ID: 1320340). Algorithms developed to predict the effect of sequence changes on RNA splicing suggest that this variant may disrupt the consensus splice site. For these reasons, this variant has been classified as Pathogenic.